The following is an entry in ClinVar:

NM_017612.5(ZCCHC8):c.1479G>A (p.Pro493=)

Gene: ZCCHC8 (zinc finger CCHC-type containing 8; minus strand). Cytogenetic location: 12q24.31.
Variant type: single nucleotide variant.
Coding change: c.1479G>A on transcript NM_017612.5 (MANE Select); coding-DNA position 1479, G replaced by A.
Protein change: p.Pro493=; no amino-acid change (proline 493 retained).
Molecular consequence: synonymous variant.
Genome position (GRCh38, 1-based): chr12:122,474,142, C>T on the plus strand (G>A on the coding strand, the complement: ZCCHC8 is on the minus strand). VCF-style: chr12-122474142-C-T. GRCh37 (hg19) VCF-style: chr12-122958689-C-T.
Other names: c.1248G>A, p.Pro416= (NM_001350935.2); c.1182G>A, p.Pro394= (NM_001350936.2); c.765G>A, p.Pro255= (NM_001350937.2, NM_001350938.2); c.1479G>A (NM_017612.4).
Identifiers: ClinVar variation 1169456 (VCV001169456.12), dbSNP rs369939408, ClinGen allele CA6846159.

ClinVar aggregate classification (germline): Benign/Likely benign. Review status: criteria provided, multiple submitters, no conflicts (2 of 4 stars). 4 submissions from 4 submitters: Benign (2); Likely benign (2). Last evaluated 2026-01-22.

Conditions:
ZCCHC8-related disorder. Also called: ZCCHC8-related condition.

Allele frequency attached by ClinVar (database versions not stated): 1000 Genomes Project 0.00080; gnomAD 0.00096 and 0.00104; TOPMed 0.00103; ESP Exome Variant Server 0.00109; gnomAD exomes 0.00010 and 0.00031; ExAC 0.00029; 1000 Genomes Project 30x 0.00078.
gnomAD v4.1: 286 of 1,506,812 alleles (0.019%); highest among the groups gnomAD compares: African/African-American, 0.37%; no homozygotes.

Submissions (4):

Labcorp Genetics (formerly Invitae), Labcorp
Classification: Benign. Last evaluated: 2026-01-22. Review status: criteria provided, single submitter. Criteria: Invitae Variant Classification Sherloc (09022015). Collection method: clinical testing. Allele origin: germline.

PreventionGenetics, part of Exact Sciences
Classification: Likely benign for ZCCHC8-related condition. Last evaluated: 2025-11-18. Review status: criteria provided, single submitter. Criteria: ACMG Guidelines, 2015. Collection method: clinical testing. Allele origin: germline.
Comment: This variant is classified as likely benign based on ACMG/AMP sequence variant interpretation guidelines (Richards et al. 2015 PMID: 25741868, with internal and published modifications).

Blueprint Genetics
Classification: Likely benign. Last evaluated: 2024-07-04. Review status: criteria provided, single submitter. Criteria: ACMG Guidelines, 2015. Collection method: clinical testing. Allele origin: germline.

Breakthrough Genomics
Classification: Benign. Review status: criteria provided, single submitter. Criteria: ACMG Guidelines, 2015. Collection method: not provided. Allele origin: germline. Inheritance: Autosomal dominant inheritance. Affected: yes.